The following is an entry in ClinVar:

ClinVar aggregate classification (germline): Uncertain significance. Review status: criteria provided, multiple submitters, no conflicts (2 of 4 stars). 5 submissions from 3 submitters: Uncertain significance (5). Last evaluated 2022-08-07.

Conditions:
Charcot-Marie-Tooth disease axonal type 2X. Also called: CHARCOT-MARIE-TOOTH DISEASE, AXONAL, AUTOSOMAL RECESSIVE, TYPE 2X; CHARCOT-MARIE-TOOTH NEUROPATHY, TYPE 2X. Identifiers: Orphanet 466775, MedGen C5569024, MONDO:0014726, OMIM 616668.
Hereditary spastic paraplegia 11. Also called: SPASTIC PARAPLEGIA, AUTOSOMAL RECESSIVE, COMPLICATED, WITH THIN CORPUS CALLOSUM; SPASTIC PARAPLEGIA, AUTOSOMAL RECESSIVE, WITH MENTAL IMPAIRMENT AND THIN CORPUS CALLOSUM; Nakamura Osame syndrome; Autosomal recessive hereditary spastic paraplegia, mental impairment, and thin corpus callosum; Spastic paraplegia, mental retardation and thin corpus callosum; Spastic Paraplegia 11. Identifiers: Orphanet 2822, MedGen C1858479, MONDO:0011445, OMIM 604360.
Amyotrophic lateral sclerosis type 5 (ALS5). Also called: AMYOTROPHIC LATERAL SCLEROSIS 5, JUVENILE. Identifiers: Orphanet 300605, MedGen C1865864, MONDO:0011196, OMIM 602099.

gnomAD v4.1: 37 of 1,614,116 alleles (0.0023%); highest among the groups gnomAD compares: South Asian, 0.0055%; no homozygotes.

Submissions (5):

Labcorp Genetics (formerly Invitae), Labcorp
Classification: Uncertain significance for Hereditary spastic paraplegia 11. Last evaluated: 2022-08-07. Review status: criteria provided, single submitter. Criteria: Invitae Variant Classification Sherloc (09022015). Collection method: clinical testing. Allele origin: germline.
Comment: This sequence change replaces serine, which is neutral and polar, with alanine, which is neutral and non-polar, at codon 1833 of the SPG11 protein (p.Ser1833Ala). This variant is present in population databases (rs766375553, gnomAD 0.003%). This variant has not been reported in the literature in individuals affected with SPG11-related conditions. ClinVar contains an entry for this variant (Variation ID: 1413521). Algorithms developed to predict the effect of missense changes on protein structure and function are either unavailable or do not agree on the potential impact of this missense change (SIFT: "Tolerated"; PolyPhen-2: "Possibly Damaging"; Align-GVGD: "Class C0"). In summary, the available evidence is currently insufficient to determine the role of this variant in disease. Therefore, it has been classified as a Variant of Uncertain Significance.

GeneDx
Classification: Uncertain significance. Last evaluated: 2022-05-09. Review status: criteria provided, single submitter. Criteria: GeneDx Variant Classification Process June 2021. Collection method: clinical testing. Allele origin: germline. Affected: yes.
Comment: Not observed at significant frequency in large population cohorts (gnomAD); In silico analysis supports that this missense variant does not alter protein structure/function; Has not been previously published as pathogenic or benign to our knowledge

Genome-Nilou Lab
Classification: Uncertain significance for Amyotrophic lateral sclerosis type 5. Review status: criteria provided, single submitter. Criteria: ACMG Guidelines, 2015. Collection method: clinical testing. Allele origin: germline.

Genome-Nilou Lab
Classification: Uncertain significance for Charcot-Marie-Tooth disease axonal type 2X. Review status: criteria provided, single submitter. Criteria: ACMG Guidelines, 2015. Collection method: clinical testing. Allele origin: germline.

Genome-Nilou Lab
Classification: Uncertain significance for Hereditary spastic paraplegia 11. Review status: criteria provided, single submitter. Criteria: ACMG Guidelines, 2015. Collection method: clinical testing. Allele origin: germline.

NM_025137.4(SPG11):c.5497T>G (p.Ser1833Ala)

Gene: SPG11 (SPG11 vesicle trafficking associated, spatacsin; minus strand). Cytogenetic location: 15q21.1.
Variant type: single nucleotide variant.
Coding change: c.5497T>G on transcript NM_025137.4 (MANE Select); coding-DNA position 5497, T replaced by G.
Protein change: p.Ser1833Ala; replaces serine 1833 with alanine.
Molecular consequence: missense variant.
Genome position (GRCh38, 1-based): chr15:44,584,183, A>C on the plus strand (T>G on the coding strand, the complement: SPG11 is on the minus strand). VCF-style: chr15-44584183-A-C. GRCh37 (hg19) VCF-style: chr15-44876381-A-C.
Other names: c.5497T>G, p.Ser1833Ala (NM_001160227.2); short protein forms S1833A.
Identifiers: ClinVar variation 1413521 (VCV001413521.5), dbSNP rs766375553, ClinGen allele CA7534398.
Genomic context (GRCh38, chr15:44,584,183, plus strand): 5'-TTGATGTGTTCAGAGCAGCCAACTTGGAGAAGGAAAACTCACTGGCTAAACTATCAAAGG[A>C]AAGTTCACCACTAGTTGAGATCTGTCGAGAAAATCTGGGCTCTGTTTCCTCCTGATTTCT-3'
Protein context (NP_079413.3, residues 1823-1843): SRQISTSGEL[Ser1833Ala]FDSLASEFSF